The following is an entry in ClinVar:

ClinVar aggregate classification (germline): Uncertain significance. Review status: criteria provided, multiple submitters, no conflicts (2 of 4 stars). 3 submissions from 3 submitters: Uncertain significance (3). Last evaluated 2026-04-07.

Conditions:
Inborn genetic diseases. Identifiers: MedGen C0950123, MeSH D030342.
Nephronophthisis. Also called: Juvenile Nephronophthisis. Identifiers: Orphanet 655, MedGen C0687120, MONDO:0019005, HP:0000090.
NPHP1-related disorder. Also called: NPHP1-related disorders; NPHP1-related condition.

Allele frequency attached by ClinVar (database versions not stated): gnomAD 0.00001; TOPMed 0.00002; ExAC 0.00003; gnomAD exomes 0.00004.
gnomAD v4.1: 51 of 1,613,144 alleles (0.0032%); highest among the groups gnomAD compares: Non-Finnish European, 0.0042%; 1 homozygote.

Submissions (3):

PreventionGenetics, part of Exact Sciences
Classification: Uncertain significance for NPHP1-related condition. Last evaluated: 2026-04-07. Review status: criteria provided, single submitter. Criteria: ACMG Guidelines, 2015. Collection method: clinical testing. Allele origin: germline.
Comment: The NPHP1 c.1831C>G variant is predicted to result in the amino acid substitution p.Leu611Val. To our knowledge, this variant has not been reported in the literature. This variant is reported in 0.0079% of alleles in individuals of European (non-Finnish) descent in gnomAD. At this time, the clinical significance of this variant is uncertain due to the absence of conclusive functional and genetic evidence.

Ambry Genetics
Classification: Uncertain significance for Inborn genetic diseases. Last evaluated: 2025-08-30. Review status: criteria provided, single submitter. Criteria: Ambry Variant Classification Scheme 2023. Collection method: clinical testing. Allele origin: germline.

Labcorp Genetics (formerly Invitae), Labcorp
Classification: Uncertain significance for Nephronophthisis. Last evaluated: 2022-10-13. Review status: criteria provided, single submitter. Criteria: Invitae Variant Classification Sherloc (09022015). Collection method: clinical testing. Allele origin: germline.
Comment: This sequence change replaces leucine, which is neutral and non-polar, with valine, which is neutral and non-polar, at codon 611 of the NPHP1 protein (p.Leu611Val). This variant is present in population databases (rs770266229, gnomAD 0.008%). This variant has not been reported in the literature in individuals affected with NPHP1-related conditions. ClinVar contains an entry for this variant (Variation ID: 1363784). Advanced modeling of protein sequence and biophysical properties (such as structural, functional, and spatial information, amino acid conservation, physicochemical variation, residue mobility, and thermodynamic stability) has been performed at Invitae for this missense variant, however the output from this modeling did not meet the statistical confidence thresholds required to predict the impact of this variant on NPHP1 protein function. In summary, the available evidence is currently insufficient to determine the role of this variant in disease. Therefore, it has been classified as a Variant of Uncertain Significance.

NM_001128178.3(NPHP1):c.1663C>G (p.Leu555Val)

Gene: NPHP1 (nephrocystin 1; minus strand). Cytogenetic location: 2q13.
Variant type: single nucleotide variant.
Coding change: c.1663C>G on transcript NM_001128178.3 (MANE Select); coding-DNA position 1663, C replaced by G.
Protein change: p.Leu555Val; replaces leucine 555 with valine.
Molecular consequence: missense variant.
Genome position (GRCh38, 1-based): chr2:110,129,239, G>C on the plus strand (C>G on the coding strand, the complement: NPHP1 is on the minus strand). VCF-style: chr2-110129239-G-C. GRCh37 (hg19) VCF-style: chr2-110886816-G-C.
Other names: c.1831C>G (NM_000272.3); c.1831C>G, p.Leu611Val (NM_000272.5); c.1474C>G, p.Leu492Val (NM_001128179.3); c.1660C>G, p.Leu554Val (NM_001374256.1); c.1663C>G, p.Leu555Val (NM_001374257.1); c.1828C>G, p.Leu610Val (NM_207181.4); short protein forms L554V, L555V, L611V, L492V, L610V.
Identifiers: ClinVar variation 1363784 (VCV001363784.6), dbSNP rs770266229, ClinGen allele CA1826932.